The following is an entry in ClinVar:

NM_015160.3(PMPCA):c.897+6G>A

Gene: PMPCA (peptidase, mitochondrial processing subunit alpha; plus strand). Cytogenetic location: 9q34.3.
Variant type: single nucleotide variant.
Coding change: c.897+6G>A on transcript NM_015160.3 (MANE Select); 6 bases into the intron after coding-DNA position 897, G replaced by A.
Molecular consequence: intron variant.
Genome position (GRCh38, 1-based): chr9:136,417,220, G>A. VCF-style: chr9-136417220-G-A. GRCh37 (hg19) VCF-style: chr9-139311672-G-A.
Other names: p.?; c.597+6G>A (NM_001282946.2); c.504+6G>A (NM_001282944.2); c.897+6G>A (NM_015160.2).
Identifiers: ClinVar variation 1033742 (VCV001033742.44), dbSNP rs150776126, ClinGen allele CA5336183.

ClinVar aggregate classification (germline): Conflicting classifications of pathogenicity. Review status: criteria provided, conflicting classifications (1 of 4 stars). 7 submissions from 7 submitters: Uncertain significance (4); Likely benign (2). 1 of the submissions does not count toward it. Last evaluated 2025-03-18.

Conditions:
Inborn genetic diseases. Identifiers: MedGen C0950123, MeSH D030342.
PMPCA-related disorder. Also called: PMPCA-related condition.
Autosomal recessive spinocerebellar ataxia 2. Also called: CPD III; CEREBELLAR GRANULAR CELL HYPOPLASIA AND MENTAL RETARDATION, CONGENITAL; CEREBELLAR HYPOPLASIA, NONPROGRESSIVE NORMAN TYPE; CEREBELLOPARENCHYMAL DISORDER III. Identifiers: Orphanet 1170, MedGen C1859298, MONDO:0008943, OMIM 213200.

Allele frequency attached by ClinVar (database versions not stated): ESP Exome Variant Server 0.00008; 1000 Genomes Project 30x 0.00016; TOPMed 0.00037.
gnomAD v4.1: 1,152 of 1,565,766 alleles (0.074%); highest among the groups gnomAD compares: Non-Finnish European, 0.096%; no homozygotes.

Submissions (7):

Mayo Clinic Laboratories, Mayo Clinic
Classification: Likely benign. Last evaluated: 2025-03-18. Review status: criteria provided, single submitter. Criteria: ACMG Guidelines, 2015. Collection method: clinical testing. Allele origin: germline. Observed: 1 variant allele.
Comment: BP4, BP7

Blueprint Genetics
Classification: Likely benign. Last evaluated: 2024-11-20. Review status: criteria provided, single submitter. Criteria: ACMG Guidelines, 2015. Collection method: clinical testing. Allele origin: germline.

Labcorp Genetics (formerly Invitae), Labcorp
Classification: Uncertain significance. Last evaluated: 2024-07-27. Review status: criteria provided, single submitter. Criteria: Invitae Variant Classification Sherloc (09022015). Collection method: clinical testing. Allele origin: germline.
Comment: This sequence change falls in intron 7 of the PMPCA gene. It does not directly change the encoded amino acid sequence of the PMPCA protein. It affects a nucleotide within the consensus splice site. This variant is present in population databases (rs150776126, gnomAD 0.06%). This variant has not been reported in the literature in individuals affected with PMPCA-related conditions. ClinVar contains an entry for this variant (Variation ID: 1033742). Variants that disrupt the consensus splice site are a relatively common cause of aberrant splicing (PMID: 17576681, 9536098). Algorithms developed to predict the effect of sequence changes on RNA splicing suggest that this variant is not likely to affect RNA splicing. In summary, the available evidence is currently insufficient to determine the role of this variant in disease. Therefore, it has been classified as a Variant of Uncertain Significance.

Ambry Genetics
Classification: Uncertain significance for Inborn genetic diseases. Last evaluated: 2022-04-07. Review status: criteria provided, single submitter. Criteria: Ambry Variant Classification Scheme 2023. Collection method: clinical testing. Allele origin: germline.
Comment: The c.897+6G>A intronic alteration consists of a G to A substitution nucleotides after coding exon 7 in the PMPCA gene. Based on insufficient or conflicting evidence, the clinical significance of this alteration remains unclear.

CeGaT Center for Human Genetics Tuebingen
Classification: Uncertain significance. Last evaluated: 2021-12-01. Review status: criteria provided, single submitter. Criteria: CeGaT Center For Human Genetics Tuebingen Variant Classification Criteria Version 2. Collection method: clinical testing. Allele origin: germline. Affected: yes. Observed: 1 variant allele.

Baylor Genetics
Classification: Uncertain significance for Autosomal recessive spinocerebellar ataxia 2. Last evaluated: 2018-02-13. Review status: criteria provided, single submitter. Criteria: ACMG Guidelines, 2015. Collection method: clinical testing. Allele origin: maternal. Affected: yes.
Comment: This variant was determined to be of uncertain significance according to ACMG Guidelines, 2015 [PMID:25741868].

PreventionGenetics, part of Exact Sciences
Classification: Likely benign for PMPCA-related condition. Last evaluated: 2020-08-04. Review status: no assertion criteria provided. Collection method: clinical testing. Allele origin: germline. Not counted in ClinVar's aggregate classification.
Comment: This variant is classified as likely benign based on ACMG/AMP sequence variant interpretation guidelines (Richards et al. 2015 PMID: 25741868, with internal and published modifications).

Literature cited by the submitters: PubMed 17576681 (cited by Labcorp Genetics (formerly Invitae), Labcorp); PubMed 9536098 (cited by Labcorp Genetics (formerly Invitae), Labcorp).